The following is an entry in ClinVar:

ClinVar aggregate classification (germline): Uncertain significance (1 of 4 stars; one submission).

Conditions:
Epidermodysplasia verruciformis. Identifiers: Orphanet 302, MedGen C0014522, MONDO:0009176.

Allele frequency attached by ClinVar (database versions not stated): ExAC 0.00002; gnomAD 0.00003 and 0.00004; gnomAD exomes 0.00003 and 0.00004; TOPMed 0.00004.
gnomAD v4.1: 61 of 1,613,650 alleles (0.0038%); highest among the groups gnomAD compares: Non-Finnish European, 0.0047%; no homozygotes.

Submission:

Labcorp Genetics (formerly Invitae), Labcorp
Classification: Uncertain significance for Epidermodysplasia verruciformis. Last evaluated: 2021-10-14. Review status: criteria provided, single submitter. Criteria: Invitae Variant Classification Sherloc (09022015). Collection method: clinical testing. Allele origin: germline.
Comment: This sequence change falls in intron 5 of the TMC8 gene. It does not directly change the encoded amino acid sequence of the TMC8 protein. This variant is present in population databases (rs756103854, ExAC 0.005%). This variant has not been reported in the literature in individuals affected with TMC8-related conditions. Algorithms developed to predict the effect of sequence changes on RNA splicing suggest that this variant may disrupt the consensus splice site. In summary, the available evidence is currently insufficient to determine the role of this variant in disease. Therefore, it has been classified as a Variant of Uncertain Significance.

NM_152468.5(TMC8):c.532-5C>G

Gene: TMC8 (transmembrane channel like 8; plus strand). Cytogenetic location: 17q25.3.
Variant type: single nucleotide variant.
Coding change: c.532-5C>G on transcript NM_152468.5 (MANE Select); 5 bases into the intron before coding-DNA position 532, C replaced by G.
Molecular consequence: intron variant.
Genome position (GRCh38, 1-based): chr17:78,133,401, C>G. VCF-style: chr17-78133401-C-G. GRCh37 (hg19) VCF-style: chr17-76129482-C-G.
Identifiers: ClinVar variation 1428805 (VCV001428805.5), dbSNP rs756103854, ClinGen allele CA8796502.